The following is an entry in ClinVar:

NM_002087.4(GRN):c.836-1G>C

Gene: GRN (granulin precursor; plus strand). Cytogenetic location: 17q21.31.
Variant type: single nucleotide variant.
Coding change: c.836-1G>C on transcript NM_002087.4 (MANE Select); the canonical splice acceptor site of the intron before coding-DNA position 836, G replaced by C.
Molecular consequence: splice acceptor variant.
Genome position (GRCh38, 1-based): chr17:44,351,362, G>C. VCF-style: chr17-44351362-G-C. GRCh37 (hg19) VCF-style: chr17-42428730-G-C.
Identifiers: ClinVar variation 98157 (VCV000098157.9), dbSNP rs63751296, ClinGen allele CA225285.

ClinVar aggregate classification (germline): Pathogenic. Review status: criteria provided, single submitter (1 of 4 stars). 2 submissions from 2 submitters: Pathogenic (1). 1 of the submissions does not count toward it. Last evaluated 2024-06-14.

Conditions:
GRN-related frontotemporal lobar degeneration with Tdp43 inclusions (FTD2). Also called: DEMENTIA, HEREDITARY DYSPHASIC DISINHIBITION; FRONTOTEMPORAL LOBAR DEGENERATION WITH UBIQUITIN-POSITIVE INCLUSIONS; FTLD-TDP, GRN-RELATED; FRONTOTEMPORAL DEMENTIA WITH TDP43 INCLUSIONS, GRN-RELATED; GRN Frontotemporal Dementia. Identifiers: Orphanet 100070, Orphanet 282, MedGen C1843792, MONDO:0011842, OMIM 607485. Disease mechanism: loss of function.
Neuronal ceroid lipofuscinosis 11. Also called: GRN-Related Neuronal Ceroid-Lipofuscinosis. Identifiers: Orphanet 314629, Orphanet 79262, MedGen C3539123, MONDO:0013866, OMIM 614706.

Submissions (2):

Labcorp Genetics (formerly Invitae), Labcorp
Classification: Pathogenic for Neuronal ceroid lipofuscinosis 11; GRN-related frontotemporal lobar degeneration with Tdp43 inclusions. Last evaluated: 2024-06-14. Review status: criteria provided, single submitter. Criteria: Invitae Variant Classification Sherloc (09022015). Collection method: clinical testing. Allele origin: germline.
Comment: This sequence change affects an acceptor splice site in intron 8 of the GRN gene. It is expected to disrupt RNA splicing. Variants that disrupt the donor or acceptor splice site typically lead to a loss of protein function (PMID: 16199547), and loss-of-function variants in GRN are known to be pathogenic (PMID: 16862116, 16950801, 22608501). This variant is not present in population databases (gnomAD no frequency). Disruption of this splice site has been observed in individual(s) with corticobasal syndrome or progressive nonfluent aphasia (PMID: 16950801, 23338682). ClinVar contains an entry for this variant (Variation ID: 98157). Studies have shown that disruption of this splice site alters GRN gene expression (PMID: 22647257). Algorithms developed to predict the effect of sequence changes on RNA splicing suggest that this variant may disrupt the consensus splice site. For these reasons, this variant has been classified as Pathogenic.

VIB  Department of Molecular Genetics, University of Antwerp
No classification provided. Review status: no classification provided. Collection method: not provided. Allele origin: unknown. Not counted in ClinVar's aggregate classification.

Literature cited by the submitters: PubMed 16199547 (cited by Labcorp Genetics (formerly Invitae), Labcorp); PubMed 16862116 (cited by Labcorp Genetics (formerly Invitae), Labcorp); PubMed 16950801 (cited by Labcorp Genetics (formerly Invitae), Labcorp); PubMed 22608501 (cited by Labcorp Genetics (formerly Invitae), Labcorp); PubMed 23338682 (cited by Labcorp Genetics (formerly Invitae), Labcorp); PubMed 22647257 (cited by Labcorp Genetics (formerly Invitae), Labcorp).